The following is an entry in ClinVar:

ClinVar aggregate classification (germline): Uncertain significance (1 of 4 stars; one submission).

Conditions:
Duchenne muscular dystrophy (DMD). Also called: MUSCULAR DYSTROPHY, PSEUDOHYPERTROPHIC PROGRESSIVE, DUCHENNE TYPE; Duchenne Muscular Dystrophy (DMD). Identifiers: Orphanet 98896, MedGen C0013264, MONDO:0010679, OMIM 310200.

gnomAD v4.1: 2 of 1,210,418 alleles (0.00017%); highest among the groups gnomAD compares: Non-Finnish European, 0.00022%; no homozygotes.

Submission:

Labcorp Genetics (formerly Invitae), Labcorp
Classification: Uncertain significance for Duchenne muscular dystrophy. Last evaluated: 2025-05-18. Review status: criteria provided, single submitter. Criteria: Invitae Variant Classification Sherloc (09022015). Collection method: clinical testing. Allele origin: germline.
Comment: This sequence change replaces arginine, which is basic and polar, with glycine, which is neutral and non-polar, at codon 395 of the DMD protein (p.Arg395Gly). This variant is present in population databases (no rsID available, gnomAD 0.001%). This variant has not been reported in the literature in individuals affected with DMD-related conditions. ClinVar contains an entry for this variant (Variation ID: 3630902). Invitae Evidence Modeling of protein sequence and biophysical properties (such as structural, functional, and spatial information, amino acid conservation, physicochemical variation, residue mobility, and thermodynamic stability) indicates that this missense variant is not expected to disrupt DMD protein function with a negative predictive value of 95%. In summary, the available evidence is currently insufficient to determine the role of this variant in disease. Therefore, it has been classified as a Variant of Uncertain Significance.

NM_004006.3(DMD):c.1183C>G (p.Arg395Gly)

Gene: DMD (dystrophin; minus strand). Cytogenetic location: Xp21.1.
Variant type: single nucleotide variant.
Coding change: c.1183C>G on transcript NM_004006.3 (MANE Select); coding-DNA position 1183, C replaced by G.
Protein change: p.Arg395Gly; replaces arginine 395 with glycine.
Molecular consequence: missense variant.
Genome position (GRCh38, 1-based): chrX:32,644,280, G>C on the plus strand (C>G on the coding strand, the complement: DMD is on the minus strand). VCF-style: chrX-32644280-G-C. GRCh37 (hg19) VCF-style: chrX-32662397-G-C.
Other names: c.1159C>G, p.Arg387Gly (NM_000109.4); c.1171C>G, p.Arg391Gly (NM_004009.3); c.814C>G, p.Arg272Gly (NM_004010.3); short protein forms R272G, R395G, R387G, R391G.
Identifiers: ClinVar variation 3630902 (VCV003630902.2).